The following is an entry in ClinVar:

ClinVar aggregate classification (germline): Uncertain significance (1 of 4 stars; one submission).

Conditions:
TTN-related disorder. Also called: TTN-related disorders; TTN-related condition; TTN-related disease.

Submission:

PreventionGenetics, part of Exact Sciences
Classification: Uncertain significance for TTN-related condition. Last evaluated: 2026-07-23. Review status: criteria provided, single submitter. Criteria: ACMG Guidelines, 2015. Collection method: clinical testing. Allele origin: germline.
Comment: The TTN c.29515G>T variant is predicted to result in the amino acid substitution p.Ala9839Ser. To our knowledge, this variant has not been reported in the literature or in a large population database (gnomAD), indicating this variant is rare. At this time, the clinical significance of this variant is uncertain due to the absence of conclusive functional and genetic evidence.

NM_001267550.2(TTN):c.29515G>T (p.Ala9839Ser)

Gene: TTN (titin; minus strand). Cytogenetic location: 2q31.2.
Variant type: single nucleotide variant.
Coding change: c.29515G>T on transcript NM_001267550.2 (MANE Select); coding-DNA position 29515, G replaced by T.
Protein change: p.Ala9839Ser; replaces alanine 9839 with serine.
Molecular consequence: missense variant. On other transcripts: intron variant (3).
Genome position (GRCh38, 1-based): chr2:178,705,263, C>A on the plus strand (G>T on the coding strand, the complement: TTN is on the minus strand). VCF-style: chr2-178705263-C-A. GRCh37 (hg19) VCF-style: chr2-179569990-C-A.
Other names: c.28564G>T, p.Ala9522Ser (NM_001256850.1); c.25783G>T, p.Ala8595Ser (NM_133378.4); c.13282+32819G>T (NM_003319.4); c.13858+32819G>T (NM_133437.4); c.13657+32819G>T (NM_133432.3); short protein forms A9522S, A8595S, A9839S.
Identifiers: ClinVar variation 4987770 (VCV004987770.1).